The following is an entry in ClinVar:

ClinVar aggregate classification (germline): Likely pathogenic (0 of 4 stars; one submission).

Conditions:
Lysinuric protein intolerance (LPI). Identifiers: Orphanet 470, MedGen C0268647, MONDO:0009109, OMIM 222700.

Submission:

Juha Muilu Group; Institute for Molecular Medicine Finland (FIMM)
Classification: Likely pathogenic for Lysinuric protein intolerance. Review status: no assertion criteria provided. Collection method: not provided. Allele origin: unknown.
Comment: FinDis database variant: This variant was not found or characterized by our laboratory, data were collected from public sources: see reference
ClinVar note: Converted during submission from probable-pathogenic to Likely pathogenic.

NM_003982.4(SLC7A7):c.454T>C (p.Phe152Leu)

Gene: SLC7A7 (solute carrier family 7 member 7; minus strand). Cytogenetic location: 14q11.2.
Variant type: single nucleotide variant.
Coding change: c.454T>C on transcript NM_003982.4 (MANE Select); coding-DNA position 454, T replaced by C.
Protein change: p.Phe152Leu; replaces phenylalanine 152 with leucine.
Molecular consequence: missense variant.
Genome position (GRCh38, 1-based): chr14:22,812,945, A>G on the plus strand (T>C on the coding strand, the complement: SLC7A7 is on the minus strand). VCF-style: chr14-22812945-A-G. GRCh37 (hg19) VCF-style: chr14-23282154-A-G.
Other names: c.454T>C, p.Phe152Leu (NM_001126105.3, NM_001126106.4); short protein forms F152L.
Identifiers: ClinVar variation 56368 (VCV000056368.2), dbSNP rs386833816, ClinGen allele CA263819.